The following is an entry in ClinVar:

NM_033448.3(KRT71):c.1477G>A (p.Gly493Arg)

Gene: KRT71 (keratin 71; minus strand). Cytogenetic location: 12q13.13.
Variant type: single nucleotide variant.
Coding change: c.1477G>A on transcript NM_033448.3 (MANE Select); coding-DNA position 1477, G replaced by A.
Protein change: p.Gly493Arg; replaces glycine 493 with arginine.
Molecular consequence: missense variant.
Genome position (GRCh38, 1-based): chr12:52,544,627, C>T on the plus strand (G>A on the coding strand, the complement: KRT71 is on the minus strand). VCF-style: chr12-52544627-C-T. GRCh37 (hg19) VCF-style: chr12-52938411-C-T.
Other names: short protein forms G493R.
Identifiers: ClinVar variation 735373 (VCV000735373.10), dbSNP rs150338222, ClinGen allele CA6583031.

ClinVar aggregate classification (germline): Likely benign. Review status: criteria provided, single submitter (1 of 4 stars). 2 submissions from 2 submitters: Likely benign (1). 1 of the submissions does not count toward it. Last evaluated 2025-03-31.

Conditions:
KRT71-related disorder. Also called: KRT71-related condition.

Allele frequency attached by ClinVar (database versions not stated): gnomAD exomes 0.00031; ESP Exome Variant Server 0.00085; gnomAD 0.00089; 1000 Genomes Project 30x 0.00109; TOPMed 0.00122; 1000 Genomes Project 0.00140.

Submissions (2):

Labcorp Genetics (formerly Invitae), Labcorp
Classification: Likely benign. Last evaluated: 2025-03-31. Review status: criteria provided, single submitter. Criteria: Invitae Variant Classification Sherloc (09022015). Collection method: clinical testing. Allele origin: germline.

PreventionGenetics, part of Exact Sciences
Classification: Likely benign for KRT71-related condition. Last evaluated: 2019-10-01. Review status: no assertion criteria provided. Collection method: clinical testing. Allele origin: germline. Not counted in ClinVar's aggregate classification.
Comment: This variant is classified as likely benign based on ACMG/AMP sequence variant interpretation guidelines (Richards et al. 2015 PMID: 25741868, with internal and published modifications).